The following is an entry in ClinVar:

NM_001110556.2(FLNA):c.6938del (p.Glu2313fs)

Gene: FLNA (filamin A; minus strand). Cytogenetic location: Xq28.
Variant type: Deletion.
Coding change: c.6938del on transcript NM_001110556.2 (MANE Select); coding-DNA position 6938, one base deleted (A; older notation c.6938delA).
Protein change: p.Glu2313fs; shifts the reading frame from glutamic acid 2313.
Molecular consequence: frameshift variant.
Genome position (GRCh38, 1-based): chrX:154,351,666, T deleted on the plus strand (A on the coding strand, the reverse complement: FLNA is on the minus strand). VCF-style (leftmost placement, unchanged base first): chrX-154351665-CT-C. GRCh37 (hg19) VCF-style: chrX-153580033-CT-C.
Other names: c.6914del, p.Glu2305fs (NM_001456.4); short protein forms E2305fs, E2313fs.
Identifiers: ClinVar variation 4532786 (VCV004532786.1).

ClinVar aggregate classification (germline): Likely pathogenic (1 of 4 stars; one submission).

Conditions:
FLNA-related disorder.

Submission:

Molecular Genetics Laboratory, Motol Hospital
Classification: Likely pathogenic for FLNA-related disorders. Last evaluated: 2025-11-28. Review status: criteria provided, single submitter. Criteria: ACMG Guidelines, 2015. Collection method: clinical testing. Allele origin: germline. Affected: yes. Observed: 1 variant allele.
Comment: Not present in gnomAD (v4.1.0), ClinVar; the dbSNP database record rs1483396650 (PM2). Rare loss-of-function variants affecting the FLNA gene are associated with a wide spectrum of rare X-linked dominant/recessive congenital conditions (see MIM:3000017; PMID:35660364;PMID:30547349;PMID:20301392;NBK:1213) (PVS1). To conclude, the variant c.6938del is classified as likely pathogenic (PVS1, PM2).

Literature cited by the submitters: PubMed 35660364; PubMed 30547349; PubMed 20301392.